The following is an entry in ClinVar:

NM_001111125.3(IQSEC2):c.1002G>A (p.Val334=)

Gene: IQSEC2 (IQ motif and Sec7 domain ArfGEF 2; minus strand). Cytogenetic location: Xp11.22.
Variant type: single nucleotide variant.
Coding change: c.1002G>A on transcript NM_001111125.3 (MANE Select); coding-DNA position 1002, G replaced by A.
Protein change: p.Val334=; no amino-acid change (valine 334 retained).
Molecular consequence: synonymous variant.
Genome position (GRCh38, 1-based): chrX:53,254,929, C>T on the plus strand (G>A on the coding strand, the complement: IQSEC2 is on the minus strand). VCF-style: chrX-53254929-C-T. GRCh37 (hg19) VCF-style: chrX-53284111-C-T.
Other names: c.1002G>A, p.Val334= (NM_001410736.1, NM_001441092.1); c.504G>A, p.Val168= (NM_001441093.1); c.291G>A, p.Val97= (NM_001441094.1, NM_001441095.1); c.387G>A, p.Val129= (NM_015075.2).
Identifiers: ClinVar variation 5022816 (VCV005022816.1).
Genomic context (GRCh38, chrX:53,254,929, plus strand): 5'-GATGGTCCTGGCAGCCCTGCGGCTCAGGAAGGAGCCCCCATACTTCCTCTCCAGCATTTC[C>T]ACCTGGCAGAGAAGGGTCGAGGGGAACAAGGTCAGAAAGTCATGGCAGCCTCATCTCCCT-3'
Protein context (NP_001104595.1, residues 324-344): ELSTDLQDKK[Val334=]EMLERKYGGS

ClinVar aggregate classification (germline): Uncertain significance (1 of 4 stars; one submission).

Conditions:
Inborn genetic diseases. Identifiers: MedGen C0950123, MeSH D030342.

gnomAD v4.1: 1 of 1,209,510 alleles (0.000083%); highest among the groups gnomAD compares: Non-Finnish European, 0.00011%; no homozygotes.

Submission:

Ambry Genetics
Classification: Uncertain significance for Inborn genetic diseases. Last evaluated: 2026-06-15. Review status: criteria provided, single submitter. Criteria: Ambry Variant Classification Scheme 2023. Collection method: clinical testing. Allele origin: germline.
Comment: The c.1002G>A (p.V334V) alteration is located in exon 4 (coding exon 4) of the IQSEC2 gene. This alteration consists of a G to A substitution at nucleotide position 1002. This nucleotide substitution does not change the amino acid at codon 334; however, this change occurs in the last nucleotide of exon 4 which makes it likely to have some effect on normal mRNA splicing. This variant was not reported in population-based cohorts in the Genome Aggregation Database (gnomAD). This nucleotide position is highly conserved in available vertebrate species. In silico splice site analysis predicts that this alteration will result in the creation or strengthening of a novel splice acceptor site. Based on insufficient or conflicting evidence, the clinical significance of this alteration remains unclear.